The following is an entry in ClinVar:

ClinVar aggregate classification (germline): Uncertain significance. Review status: criteria provided, multiple submitters, no conflicts (2 of 4 stars). 2 submissions from 2 submitters: Uncertain significance (2). Last evaluated 2023-07-29.

Allele frequency attached by ClinVar (database versions not stated): ExAC 0.00001.
gnomAD v4.1: 4 of 1,611,922 alleles (0.00025%); highest among the groups gnomAD compares: Admixed American, 0.0067%; no homozygotes.

Submissions (2):

Ambry Genetics
Classification: Uncertain significance. Last evaluated: 2023-07-29. Review status: criteria provided, single submitter. Criteria: Ambry Variant Classification Scheme 2023. Collection method: clinical testing. Allele origin: germline.
Comment: The p.E206D variant (also known as c.618G>T), located in coding exon 3 of the GALNT12 gene, results from a G to T substitution at nucleotide position 618. The glutamic acid at codon 206 is replaced by aspartic acid, an amino acid with highly similar properties. This amino acid position is highly conserved in available vertebrate species. In addition, the in silico prediction for this alteration is inconclusive. Since supporting evidence is limited at this time, the clinical significance of this alteration remains unclear.

Labcorp Genetics (formerly Invitae), Labcorp
Classification: Uncertain significance. Last evaluated: 2019-02-20. Review status: criteria provided, single submitter. Criteria: Invitae Variant Classification Sherloc (09022015). Collection method: clinical testing. Allele origin: germline.
Comment: In summary, the available evidence is currently insufficient to determine the role of this variant in disease. Therefore, it has been classified as a Variant of Uncertain Significance. Algorithms developed to predict the effect of missense changes on protein structure and function are either unavailable or do not agree on the potential impact of this missense change (SIFT: "Deleterious"; PolyPhen-2: "Probably Damaging"; Align-GVGD: "Class C0"). This variant has not been reported in the literature in individuals with GALNT12-related conditions. This variant is present in population databases (rs752104405, ExAC 0.01%). This sequence change replaces glutamic acid with aspartic acid at codon 206 of the GALNT12 protein (p.Glu206Asp). The glutamic acid residue is highly conserved and there is a small physicochemical difference between glutamic acid and aspartic acid.

NM_024642.5(GALNT12):c.618G>T (p.Glu206Asp)

Gene: GALNT12 (polypeptide N-acetylgalactosaminyltransferase 12; plus strand). Cytogenetic location: 9q22.33.
Variant type: single nucleotide variant.
Coding change: c.618G>T on transcript NM_024642.5 (MANE Select); coding-DNA position 618, G replaced by T.
Protein change: p.Glu206Asp; replaces glutamic acid 206 with aspartic acid.
Molecular consequence: missense variant.
Genome position (GRCh38, 1-based): chr9:98,826,828, G>T. VCF-style: chr9-98826828-G-T. GRCh37 (hg19) VCF-style: chr9-101589110-G-T.
Other names: short protein forms E206D.
Identifiers: ClinVar variation 826232 (VCV000826232.14), dbSNP rs752104405, ClinGen allele CA5154006.